The following is an entry in ClinVar:

NM_001930.4(DHPS):c.21G>A (p.Arg7=)

Genes: DHPS (deoxyhypusine synthase; minus strand), LOC112543448 (CRISPRi-FlowFISH-validated WDR83OS regulatory elements; plus strand). Cytogenetic location: 19p13.13.
Variant type: single nucleotide variant.
Coding change: c.21G>A on transcript NM_001930.4 (MANE Select); coding-DNA position 21, G replaced by A.
Protein change: p.Arg7=; no amino-acid change (arginine 7 retained).
Molecular consequence: synonymous variant. On other transcripts: 5 prime UTR variant (1), non-coding transcript variant (3).
Genome position (GRCh38, 1-based): chr19:12,681,746, C>T on the plus strand (G>A on the coding strand, the complement: DHPS is on the minus strand). VCF-style: chr19-12681746-C-T. GRCh37 (hg19) VCF-style: chr19-12792560-C-T.
Other names: c.21G>A, p.Arg7= (NM_001369691.1, NM_001369692.1, NM_013406.3); c.-494G>A (NM_001369693.1).
Identifiers: ClinVar variation 3354413 (VCV003354413.1).

ClinVar aggregate classification (germline): Likely benign (0 of 4 stars; one submission).

Conditions:
DHPS-related disorder. Also called: DHPS-related condition.

Submission:

PreventionGenetics, part of Exact Sciences
Classification: Likely benign for DHPS-related condition. Last evaluated: 2024-08-10. Review status: no assertion criteria provided. Collection method: clinical testing. Allele origin: germline.
Comment: This variant is classified as likely benign based on ACMG/AMP sequence variant interpretation guidelines (Richards et al. 2015 PMID: 25741868, with internal and published modifications).